The following is an entry in ClinVar:

ClinVar aggregate classification (germline): Conflicting classifications of pathogenicity. Review status: criteria provided, conflicting classifications (1 of 4 stars). 5 submissions from 5 submitters: Likely pathogenic (2); Uncertain significance (3). Last evaluated 2026-01-06.

Conditions:
Dilated cardiomyopathy 1GG (CMD1GG). Identifiers: Orphanet 154, MedGen C3150898, MONDO:0013339, OMIM 613642.
Pheochromocytoma/paraganglioma syndrome 5. Also called: Paragangliomas 5; SDHA-Related Hereditary Paraganglioma-Pheochromocytoma Syndrome. Identifiers: Orphanet 29072, MedGen C3279992, MONDO:0013602, OMIM 614165.
Mitochondrial complex II deficiency, nuclear type 1. Also called: SUCCINATE CoQ REDUCTASE DEFICIENCY. Identifiers: Orphanet 3208, MedGen C5700310, MONDO:0100294, OMIM 252011.
Hereditary cancer-predisposing syndrome. Also called: Tumor predisposition; Hereditary neoplastic syndrome; Neoplastic Syndromes, Hereditary; Hereditary Cancer Syndrome. Identifiers: Orphanet 140162, MedGen C0027672, MeSH D009386, MONDO:0015356.

Submissions (5):

Myriad Genetics, Inc.
Classification: Likely pathogenic for Pheochromocytoma/paraganglioma syndrome 5. Last evaluated: 2026-01-06. Review status: criteria provided, single submitter. Criteria: Myriad Autosomal Dominant, Autosomal Recessive and X-Linked Classification Criteria (2023). Collection method: clinical testing. Allele origin: unknown.
Comment: This variant is considered likely pathogenic. mRNA analysis has demonstrated abnormal mRNA splicing occurs [Myriad internal data].

Ambry Genetics
Classification: Uncertain significance for Hereditary cancer-predisposing syndrome. Last evaluated: 2025-11-06. Review status: criteria provided, single submitter. Criteria: Ambry Variant Classification Scheme 2023. Collection method: clinical testing. Allele origin: germline.
Comment: The c.1663+5G>C intronic variant results from a G to C substitution 5 nucleotides after coding exon 12 in the SDHA gene. This variant was reported in individual(s) with features consistent with SDHA-related hereditary pheochromocytoma-paraganglioma (Ambry internal data). This nucleotide position is well conserved in available vertebrate species. In silico splice site analysis predicts that this alteration will weaken the native splice donor site; however, direct evidence is insufficient at this time (Ambry internal data). Based on the available evidence, the clinical significance of this variant remains unclear.

Labcorp Genetics (formerly Invitae), Labcorp
Classification: Uncertain significance for Pheochromocytoma/paraganglioma syndrome 5; Mitochondrial complex II deficiency, nuclear type 1. Last evaluated: 2025-08-10. Review status: criteria provided, single submitter. Criteria: Invitae Variant Classification Sherloc (09022015). Collection method: clinical testing. Allele origin: germline.
Comment: This sequence change falls in intron 12 of the SDHA gene. It does not directly change the encoded amino acid sequence of the SDHA protein. It affects a nucleotide within the consensus splice site. This variant is not present in population databases (gnomAD no frequency). This variant has not been reported in the literature in individuals affected with SDHA-related conditions. ClinVar contains an entry for this variant (Variation ID: 844105). Variants that disrupt the consensus splice site are a relatively common cause of aberrant splicing (PMID: 17576681, 9536098). Algorithms developed to predict the effect of sequence changes on RNA splicing suggest that this variant may disrupt the consensus splice site. In summary, the available evidence is currently insufficient to determine the role of this variant in disease. Therefore, it has been classified as a Variant of Uncertain Significance.

Quest Diagnostics Nichols Institute San Juan Capistrano
Classification: Uncertain significance. Last evaluated: 2025-05-02. Review status: criteria provided, single submitter. Criteria: Quest Diagnostics criteria. Collection method: clinical testing. Allele origin: unknown.
Comment: The SDHA c.1663+5G>C variant has not been reported in individuals with SDHA-related conditions in the published literature. It also has not been reported in large, multi-ethnic general populations (Genome Aggregation Database). Analysis of this variant using software algorithms for the prediction of the effect of nucleotide changes on splicing yielded predictions that this variant may affect proper SDHA mRNA splicing. Based on the available information, we are unable to determine the clinical significance of this variant.

Baylor Genetics
Classification: Likely pathogenic for Dilated cardiomyopathy 1GG. Last evaluated: 2024-01-08. Review status: criteria provided, single submitter. Criteria: ACMG Guidelines, 2015. Collection method: clinical testing. Allele origin: unknown.

Literature cited by the submitters: PubMed 17576681 (cited by Labcorp Genetics (formerly Invitae), Labcorp); PubMed 9536098 (cited by Labcorp Genetics (formerly Invitae), Labcorp).

NM_004168.4(SDHA):c.1663+5G>C

Gene: SDHA (succinate dehydrogenase complex flavoprotein subunit A; plus strand). Cytogenetic location: 5p15.33.
Variant type: single nucleotide variant.
Coding change: c.1663+5G>C on transcript NM_004168.4 (MANE Select); 5 bases into the intron after coding-DNA position 1663, G replaced by C.
Molecular consequence: intron variant.
Genome position (GRCh38, 1-based): chr5:251,108, G>C. VCF-style: chr5-251108-G-C. GRCh37 (hg19) VCF-style: chr5-251223-G-C.
Other names: c.1663+5G>C (NM_004168.2); c.1552-3285G>C (NM_001330758.2); c.1519+5G>C (NM_001294332.2).
Identifiers: ClinVar variation 844105 (VCV000844105.15), dbSNP rs1736797211, ClinGen allele CA916082682.